The following is an entry in ClinVar:

ClinVar aggregate classification (germline): Likely benign. Review status: criteria provided, single submitter (1 of 4 stars). 2 submissions from 2 submitters: Likely benign (1). 1 of the submissions does not count toward it. Last evaluated 2023-09-20.

Conditions:
RAI1-related disorder. Also called: RAI1-related condition.

Submissions (2):

Labcorp Genetics (formerly Invitae), Labcorp
Classification: Likely benign. Last evaluated: 2023-09-20. Review status: criteria provided, single submitter. Criteria: Invitae Variant Classification Sherloc (09022015). Collection method: clinical testing. Allele origin: germline.

PreventionGenetics, part of Exact Sciences
Classification: Likely benign for RAI1-related condition. Last evaluated: 2022-04-13. Review status: no assertion criteria provided. Collection method: clinical testing. Allele origin: germline. Not counted in ClinVar's aggregate classification.
Comment: This variant is classified as likely benign based on ACMG/AMP sequence variant interpretation guidelines (Richards et al. 2015 PMID: 25741868, with internal and published modifications).

NM_030665.4(RAI1):c.4710C>A (p.Pro1570=)

Gene: RAI1 (retinoic acid induced 1; plus strand). Cytogenetic location: 17p11.2.
Variant type: single nucleotide variant.
Coding change: c.4710C>A on transcript NM_030665.4 (MANE Select); coding-DNA position 4710, C replaced by A.
Protein change: p.Pro1570=; no amino-acid change (proline 1570 retained).
Molecular consequence: synonymous variant.
Genome position (GRCh38, 1-based): chr17:17,797,658, C>A. VCF-style: chr17-17797658-C-A. GRCh37 (hg19) VCF-style: chr17-17700972-C-A.
Other names: c.4710C>A (NM_030665.3).
Identifiers: ClinVar variation 1409726 (VCV001409726.9), dbSNP rs769534594, ClinGen allele CA498425380.
Genomic context (GRCh38, chr17:17,797,658, plus strand): 5'-TTCACCCTGTAAGGGGCGTGCCAAGCGACGACGACAGCAGCAGGTGCTGCCCCTGGATCC[C>A]GCAGAGCCTGAAATCCGCCTCAAGTACATTTCCTCTTGCAAGCGGCTGAGGTCAGACAGC-3'
Protein context (NP_109590.3, residues 1560-1580): RRQQQVLPLD[Pro1570=]AEPEIRLKYI